The following is an entry in ClinVar:

NM_001164508.2(NEB):c.3987+11A>T

Gene: NEB (nebulin; minus strand). Cytogenetic location: 2q23.3.
Variant type: single nucleotide variant.
Coding change: c.3987+11A>T on transcript NM_001164508.2 (MANE Select); 11 bases into the intron after coding-DNA position 3987, A replaced by T.
Molecular consequence: intron variant.
Genome position (GRCh38, 1-based): chr2:151,674,466, T>A on the plus strand (A>T on the coding strand, the complement: NEB is on the minus strand). VCF-style: chr2-151674466-T-A. GRCh37 (hg19) VCF-style: chr2-152530980-T-A.
Other names: c.3987+11A>T (NM_004543.5, NM_001164507.2, NM_001271208.2).
Identifiers: ClinVar variation 331512 (VCV000331512.15), dbSNP rs116903097, ClinGen allele CA1910768.
Genomic context (GRCh38, chr2:151,674,466, plus strand): 5'-CAATTTAAACAAGCATTTGATTACTTTTCAAAAAGGCAAACACCTAAACTTCACCTAAAA[T>A]TTGTACTCACATCACTGGCAATGTTTCTCGATGCCTTGGCTGCAGTGATGGGAATAGCAT-3'

ClinVar aggregate classification (germline): Benign/Likely benign. Review status: criteria provided, multiple submitters, no conflicts (2 of 4 stars). 4 submissions from 4 submitters: Benign (3); Likely benign (1). Last evaluated 2026-02-04.

Conditions:
Nemaline myopathy 2 (NEM2). Also called: Nemaline myopathy 2, autosomal recessive. Identifiers: MedGen C1850569, MONDO:0009725, OMIM 256030.
Arthrogryposis multiplex congenita 6. Identifiers: MedGen C5543431, MONDO:0030281, OMIM 619334.

Allele frequency attached by ClinVar (database versions not stated): ESP Exome Variant Server 0.00008; gnomAD 0.00092 and 0.00136; TOPMed 0.00161; gnomAD exomes 0.00295; ExAC 0.00302; 1000 Genomes Project 30x 0.00750; 1000 Genomes Project 0.00779.
gnomAD v4.1: 1,876 of 1,607,280 alleles (0.12%); highest among the groups gnomAD compares: East Asian, 3.9%; 40 homozygotes.

Submissions (4):

Labcorp Genetics (formerly Invitae), Labcorp
Classification: Benign for Nemaline myopathy 2. Last evaluated: 2026-02-04. Review status: criteria provided, single submitter. Criteria: Invitae Variant Classification Sherloc (09022015). Collection method: clinical testing. Allele origin: germline.

Fulgent Genetics
Classification: Likely benign for Nemaline myopathy 2; Arthrogryposis multiplex congenita 6. Last evaluated: 2021-09-29. Review status: criteria provided, single submitter. Criteria: ACMG Guidelines, 2015. Collection method: clinical testing. Allele origin: unknown.

Illumina Laboratory Services, Illumina
Classification: Benign for Nemaline myopathy 2. Last evaluated: 2018-01-13. Review status: criteria provided, single submitter. Criteria: ICSL Variant Classification Criteria 13 December 2019. Collection method: clinical testing. Allele origin: germline.
Comment: This variant was observed in the ICSL laboratory as part of a predisposition screen in an ostensibly healthy population. It had not been previously curated by ICSL or reported in the Human Gene Mutation Database (HGMD: prior to June 1st, 2018), and was therefore a candidate for classification through an automated scoring system. Utilizing variant allele frequency, disease prevalence and penetrance estimates, and inheritance mode, an automated score was calculated to assess if this variant is too frequent to cause the disease. Based on the score and internal cut-off values, a variant classified as benign is not then subjected to further curation. The score for this variant resulted in a classification of benign for this disease.

GeneDx
Classification: Benign. Last evaluated: 2016-12-27. Review status: criteria provided, single submitter. Criteria: GeneDx Variant Classification (06012015). Collection method: clinical testing. Allele origin: germline. Affected: yes.
Comment: This variant is considered likely benign or benign based on one or more of the following criteria: it is a conservative change, it occurs at a poorly conserved position in the protein, it is predicted to be benign by multiple in silico algorithms, and/or has population frequency not consistent with disease.